The following is an entry in ClinVar:

NM_014915.3(ANKRD26):c.576G>A (p.Gln192=)

Gene: ANKRD26 (ankyrin repeat domain 26; minus strand). Cytogenetic location: 10p12.1.
Variant type: single nucleotide variant.
Coding change: c.576G>A on transcript NM_014915.3 (MANE Select); coding-DNA position 576, G replaced by A.
Protein change: p.Gln192=; no amino-acid change (glutamine 192 retained).
Molecular consequence: synonymous variant.
Genome position (GRCh38, 1-based): chr10:27,092,468, C>T on the plus strand (G>A on the coding strand, the complement: ANKRD26 is on the minus strand). VCF-style: chr10-27092468-C-T. GRCh37 (hg19) VCF-style: chr10-27381397-C-T.
Other names: p.Gln192=; c.576G>A, p.Gln192= (NM_001256053.2).
Identifiers: ClinVar variation 260471 (VCV000260471.19), dbSNP rs41279942, ClinGen allele CA5448885.
Genomic context (GRCh38, chr10:27,092,468, plus strand): 5'-TTCCAACTTATCTACTGCATTTACATTTGCTTTTTTCTTTATTAAAAATTCCACCATTTG[C>T]TGCTTTTTTCCACTTACTGCAAGTAAAAGTGGTGTGAGGTCATCCTGTAAGACAGCAAAA-3'
Protein context (NP_055730.2, residues 182-202): PLLLAVSGKK[Gln192=]QMVEFLIKKK

ClinVar aggregate classification (germline): Benign/Likely benign. Review status: criteria provided, multiple submitters, no conflicts (2 of 4 stars). 9 submissions from 9 submitters: Benign (6); Likely benign (3). Last evaluated 2026-02-02.

Conditions:
Thrombocytopenia 2 (THC2). Also called: ANKRD26-Related Thrombocytopenia. Identifiers: Orphanet 268322, MedGen C1861185, MONDO:0008555, OMIM 188000.

Allele frequency attached by ClinVar (database versions not stated): 1000 Genomes Project 0.00659; 1000 Genomes Project 30x 0.00718; TOPMed 0.01113; ExAC 0.01409; ESP Exome Variant Server 0.01539; gnomAD exomes 0.01644 and 0.01322; gnomAD 0.01312 and 0.01351.
gnomAD v4.1: 25,763 of 1,613,338 alleles (1.6%); highest among the groups gnomAD compares: Non-Finnish European, 1.9%; 267 homozygotes.

Submissions (9):

Labcorp Genetics (formerly Invitae), Labcorp
Classification: Benign. Last evaluated: 2026-02-02. Review status: criteria provided, single submitter. Criteria: Invitae Variant Classification Sherloc (09022015). Collection method: clinical testing. Allele origin: germline.

Blueprint Genetics
Classification: Likely benign. Last evaluated: 2024-11-26. Review status: criteria provided, single submitter. Criteria: ACMG Guidelines, 2015. Collection method: clinical testing. Allele origin: germline.

ARUP Laboratories, Molecular Genetics and Genomics, ARUP Laboratories
Classification: Benign for Thrombocytopenia 2. Last evaluated: 2024-08-13. Review status: criteria provided, single submitter. Criteria: ARUP Molecular Germline Variant Investigation Process 2024. Collection method: clinical testing. Allele origin: germline.

Mayo Clinic Laboratories, Mayo Clinic
Classification: Benign. Last evaluated: 2023-08-30. Review status: criteria provided, single submitter. Criteria: ACMG Guidelines, 2015. Collection method: clinical testing. Allele origin: germline. Observed: 27 variant alleles.
Comment: BS1, BS2, BP4, BP7

GeneDx
Classification: Likely benign. Last evaluated: 2022-03-07. Review status: criteria provided, single submitter. Criteria: GeneDx Variant Classification Process June 2021. Collection method: clinical testing. Allele origin: germline. Affected: yes.

Genome-Nilou Lab
Classification: Benign for Thrombocytopenia 2. Last evaluated: 2021-12-05. Review status: criteria provided, single submitter. Criteria: ACMG Guidelines, 2015. Collection method: clinical testing. Allele origin: germline. Affected: no.

Illumina Laboratory Services, Illumina
Classification: Benign for Thrombocytopenia 2. Last evaluated: 2018-01-12. Review status: criteria provided, single submitter. Criteria: ICSL Variant Classification Criteria 13 December 2019. Collection method: clinical testing. Allele origin: germline.
Comment: This variant was observed in the ICSL laboratory as part of a predisposition screen in an ostensibly healthy population. It had not been previously curated by ICSL or reported in the Human Gene Mutation Database (HGMD: prior to June 1st, 2018), and was therefore a candidate for classification through an automated scoring system. Utilizing variant allele frequency, disease prevalence and penetrance estimates, and inheritance mode, an automated score was calculated to assess if this variant is too frequent to cause the disease. Based on the score and internal cut-off values, a variant classified as benign is not then subjected to further curation. The score for this variant resulted in a classification of benign for this disease.

Breakthrough Genomics
Classification: Likely benign. Review status: criteria provided, single submitter. Criteria: ACMG Guidelines, 2015. Collection method: not provided. Allele origin: germline. Inheritance: Autosomal dominant inheritance. Affected: yes.

PreventionGenetics, part of Exact Sciences
Classification: Benign. Review status: criteria provided, single submitter. Criteria: ACMG Guidelines, 2015. Collection method: clinical testing. Allele origin: germline.